The following is an entry in ClinVar:

ClinVar aggregate classification (germline): Uncertain significance (1 of 4 stars; one submission).

Conditions:
Inborn genetic diseases. Identifiers: MedGen C0950123, MeSH D030342.

gnomAD v4.1: 1 of 1,613,376 alleles (0.000062%); highest among the groups gnomAD compares: Non-Finnish European, 0.000085%; no homozygotes.

Submission:

Ambry Genetics
Classification: Uncertain significance for Inborn genetic diseases. Last evaluated: 2026-07-13. Review status: criteria provided, single submitter. Criteria: Ambry Variant Classification Scheme 2023. Collection method: clinical testing. Allele origin: germline.
Comment: The p.V267D variant (also known as c.800T>A), located in coding exon 9 of the FANCA gene, results from a T to A substitution at nucleotide position 800. The valine at codon 267 is replaced by aspartic acid, an amino acid with highly dissimilar properties. This amino acid position is conserved. In addition, this alteration is predicted to be tolerated by in silico analysis. Based on the available evidence, the clinical significance of this variant remains unclear.

NM_000135.4(FANCA):c.800T>A (p.Val267Asp)

Gene: FANCA (FA complementation group A; minus strand). Cytogenetic location: 16q24.3.
Variant type: single nucleotide variant.
Coding change: c.800T>A on transcript NM_000135.4 (MANE Select); coding-DNA position 800, T replaced by A.
Protein change: p.Val267Asp; replaces valine 267 with aspartic acid.
Molecular consequence: missense variant.
Genome position (GRCh38, 1-based): chr16:89,799,631, A>T on the plus strand (T>A on the coding strand, the complement: FANCA is on the minus strand). VCF-style: chr16-89799631-A-T. GRCh37 (hg19) VCF-style: chr16-89866039-A-T.
Other names: c.800T>A, p.Val267Asp (NM_001018112.3, NM_001286167.3); c.704T>A, p.Val235Asp (NM_001351830.2); short protein forms V235D, V267D.
Identifiers: ClinVar variation 5036351 (VCV005036351.1).